The following is an entry in ClinVar:

ClinVar aggregate classification (germline): Likely benign (0 of 4 stars; one submission).

Conditions:
MYO1F-related disorder. Also called: MYO1F-related condition.

Allele frequency attached by ClinVar (database versions not stated): gnomAD exomes 0.00007; gnomAD 0.00013; 1000 Genomes Project 0.00020; TOPMed 0.00028; ExAC 0.00039; 1000 Genomes Project 30x 0.00062.
gnomAD v4.1: 132 of 1,592,290 alleles (0.0083%); highest among the groups gnomAD compares: East Asian, 0.23%; 1 homozygote.

Submission:

PreventionGenetics, part of Exact Sciences
Classification: Likely benign for MYO1F-related condition. Last evaluated: 2019-12-09. Review status: no assertion criteria provided. Collection method: clinical testing. Allele origin: germline.
Comment: This variant is classified as likely benign based on ACMG/AMP sequence variant interpretation guidelines (Richards et al. 2015 PMID: 25741868, with internal and published modifications).

NM_012335.4(MYO1F):c.2622-4A>G

Gene: MYO1F (myosin IF; minus strand). Cytogenetic location: 19p13.2.
Variant type: single nucleotide variant.
Coding change: c.2622-4A>G on transcript NM_012335.4 (MANE Select); 4 bases into the intron before coding-DNA position 2622, A replaced by G.
Molecular consequence: intron variant.
Genome position (GRCh38, 1-based): chr19:8,526,605, T>C on the plus strand (A>G on the coding strand, the complement: MYO1F is on the minus strand). VCF-style: chr19-8526605-T-C. GRCh37 (hg19) VCF-style: chr19-8591489-T-C.
Other names: c.2610-4A>G (NM_001348355.2).
Identifiers: ClinVar variation 3047975 (VCV003047975.2), dbSNP rs368127869, ClinGen allele CA9158832.